The following is an entry in ClinVar:

ClinVar aggregate classification (germline): Benign/Likely benign. Review status: criteria provided, multiple submitters, no conflicts (2 of 4 stars). 3 submissions from 3 submitters: Benign (1); Likely benign (2). Last evaluated 2026-07-08.

Conditions:
Rhabdoid tumor predisposition syndrome 2 (RTPS2). Identifiers: Orphanet 231108, Orphanet 69077, MedGen C2750074, MONDO:0013224, OMIM 613325.
Hereditary cancer-predisposing syndrome. Also called: Hereditary Cancer Syndrome; Hereditary neoplastic syndrome; Neoplastic Syndromes, Hereditary; Tumor predisposition. Identifiers: Orphanet 140162, MedGen C0027672, MeSH D009386, MONDO:0015356.

Allele frequency attached by ClinVar (database versions not stated): ExAC 0.00001; gnomAD exomes below 0.00001.
gnomAD v4.1: 1 of 1,612,034 alleles (0.000062%); highest among the groups gnomAD compares: Non-Finnish European, 0.000085%; no homozygotes.

Submissions (3):

Myriad Genetics, Inc.
Classification: Benign for Rhabdoid tumor predisposition syndrome 2. Last evaluated: 2026-07-08. Review status: criteria provided, single submitter. Criteria: Myriad Autosomal Dominant, Autosomal Recessive and X-Linked Classification Criteria (2023). Collection method: clinical testing. Allele origin: unknown.
Comment: This variant is considered benign. This variant is a silent/synonymous amino acid change and it is not expected to impact splicing.

Labcorp Genetics (formerly Invitae), Labcorp
Classification: Likely benign for Rhabdoid tumor predisposition syndrome 2. Last evaluated: 2025-09-20. Review status: criteria provided, single submitter. Criteria: Invitae Variant Classification Sherloc (09022015). Collection method: clinical testing. Allele origin: germline.

Ambry Genetics
Classification: Likely benign for Hereditary cancer-predisposing syndrome. Last evaluated: 2019-10-23. Review status: criteria provided, single submitter. Criteria: Ambry Variant Classification Scheme 2023. Collection method: clinical testing. Allele origin: germline.

NM_003072.5(SMARCA4):c.102C>T (p.Pro34=)

Gene: SMARCA4 (SWI/SNF related BAF chromatin remodeling complex subunit ATPase 4; plus strand). Cytogenetic location: 19p13.2.
Variant type: single nucleotide variant.
Coding change: c.102C>T on transcript NM_003072.5 (MANE Select); coding-DNA position 102, C replaced by T.
Protein change: p.Pro34=; no amino-acid change (proline 34 retained).
Molecular consequence: synonymous variant. On other transcripts: non-coding transcript variant (1).
Genome position (GRCh38, 1-based): chr19:10,984,253, C>T. VCF-style: chr19-10984253-C-T. GRCh37 (hg19) VCF-style: chr19-11094929-C-T.
Other names: c.102C>T, p.Pro34= (NM_001128844.3, NM_001128845.2, NM_001128846.2 and 5 more transcripts).
Identifiers: ClinVar variation 470223 (VCV000470223.16), dbSNP rs769349881, ClinGen allele CA9203398.